The following is an entry in ClinVar:

NM_001447.3(FAT2):c.6907C>T (p.Arg2303Trp)

Genes: SLC36A1 (solute carrier family 36 member 1; plus strand), FAT2 (FAT atypical cadherin 2; minus strand). Cytogenetic location: 5q33.1.
Variant type: single nucleotide variant.
Coding change: c.6907C>T on transcript NM_001447.3 (MANE Select); coding-DNA position 6907, C replaced by T.
Protein change: p.Arg2303Trp; replaces arginine 2303 with tryptophan.
Molecular consequence: missense variant.
Genome position (GRCh38, 1-based): chr5:151,544,220, G>A on the plus strand (C>T on the coding strand, the complement: FAT2 is on the minus strand). VCF-style: chr5-151544220-G-A. GRCh37 (hg19) VCF-style: chr5-150923781-G-A.
Other names: short protein forms R2303W.
Identifiers: ClinVar variation 2168085 (VCV002168085.4), dbSNP rs201714112, ClinGen allele CA3521045.

ClinVar aggregate classification (germline): Uncertain significance (1 of 4 stars; one submission).

Allele frequency attached by ClinVar (database versions not stated): gnomAD 0.00004; ExAC 0.00006; TOPMed 0.00007; gnomAD exomes 0.00016; ESP Exome Variant Server 0.00023.
gnomAD v4.1: 237 of 1,614,046 alleles (0.015%); highest among the groups gnomAD compares: Non-Finnish European, 0.019%; no homozygotes.

Submission:

Labcorp Genetics (formerly Invitae), Labcorp
Classification: Uncertain significance. Last evaluated: 2025-11-14. Review status: criteria provided, single submitter. Criteria: Invitae Variant Classification Sherloc (09022015). Collection method: clinical testing. Allele origin: germline.
Comment: This sequence change replaces arginine, which is basic and polar, with tryptophan, which is neutral and slightly polar, at codon 2303 of the FAT2 protein (p.Arg2303Trp). This variant is present in population databases (rs201714112, gnomAD 0.01%). This variant has not been reported in the literature in individuals affected with FAT2-related conditions. ClinVar contains an entry for this variant (Variation ID: 2168085). Invitae Evidence Modeling of protein sequence and biophysical properties (such as structural, functional, and spatial information, amino acid conservation, physicochemical variation, residue mobility, and thermodynamic stability) indicates that this missense variant is not expected to disrupt FAT2 protein function with a negative predictive value of 80%. In summary, the available evidence is currently insufficient to determine the role of this variant in disease. Therefore, it has been classified as a Variant of Uncertain Significance.